The following is an entry in ClinVar:

NM_000264.5(PTCH1):c.482_491del (p.Thr161fs)

Gene: PTCH1 (patched 1; minus strand). Cytogenetic location: 9q22.32.
Variant type: Deletion.
Coding change: c.482_491del on transcript NM_000264.5 (MANE Select); coding-DNA positions 482 to 491, 10 bases deleted (CCCCTAAAGA; older notation c.482_491delCCCCTAAAGA).
Protein change: p.Thr161fs; shifts the reading frame from threonine 161.
Molecular consequence: frameshift variant. On other transcripts: non-coding transcript variant (1).
Genome position (GRCh38, 1-based): chr9:95,485,778-95,485,787, TCTTTAGGGG deleted on the plus strand (CCCCTAAAGA on the coding strand, the reverse complement: PTCH1 is on the minus strand); deleting any 10 consecutive bases within chr9:95,485,778-95,485,790 gives the same sequence; the c. name uses the placement nearest the transcript's 3' end. VCF-style (leftmost placement, unchanged base first): chr9-95485777-TTCTTTAGGGG-T. GRCh37 (hg19) VCF-style: chr9-98248059-TTCTTTAGGGG-T.
Other names: c.284_293del, p.Thr95fs (NM_001083602.3, NM_001354919.2); c.479_488del, p.Thr160fs (NM_001083603.3); c.29_38del, p.Thr10fs (NM_001083604.3, NM_001083605.3, NM_001083606.3 and 1 more transcripts); c.482_491del, p.Thr161fs (NM_001354918.2); short protein forms T160fs, T161fs, T95fs, T10fs.
Identifiers: ClinVar variation 428833 (VCV000428833.5), dbSNP rs1131690981, ClinGen allele CA645369456.
Genomic context (GRCh38, chr9:95,485,777, plus strand): 5'-CTGGAGTGCCGAGTCCAGGTGTTGTAGGAGCGCTTCTGTGGTCAGGACATTAGCACCTTC[TTCTTTAGGGG>T]TCTGTATCATGAGTTGAGGATTAAACATAGCCTCTTCTCCAATCTTCTGGCGAGTATAAT-3'

ClinVar aggregate classification (germline): Pathogenic (1 of 4 stars; one submission).

Conditions:
Hereditary cancer-predisposing syndrome. Also called: Hereditary Cancer Syndrome; Neoplastic Syndromes, Hereditary; Hereditary neoplastic syndrome; Tumor predisposition. Identifiers: Orphanet 140162, MedGen C0027672, MeSH D009386, MONDO:0015356.

Submission:

Ambry Genetics
Classification: Pathogenic for Hereditary cancer-predisposing syndrome. Last evaluated: 2015-05-10. Review status: criteria provided, single submitter. Criteria: Ambry Variant Classification Scheme 2023. Collection method: clinical testing. Allele origin: germline.
Comment: The c.482_491del10 pathogenic mutation, located in coding exon 3 of the PTCH1 gene, results from a deletion of 10 nucleotides between nucleotide positions 482 and 491, causing a translational frameshift with a predicted alternate stop codon. Since frameshifts are typically deleterious in nature, this alteration is interpreted as a disease-causing mutation (ACMG Recommendations for Standards for Interpretation and Reporting of Sequence Variations. Revision 2007. Genet Med. 2008;10:294).